The following is an entry in ClinVar:

NM_015102.5(NPHP4):c.3961G>A (p.Val1321Met)

Gene: NPHP4 (nephrocystin 4; minus strand). Cytogenetic location: 1p36.31.
Variant type: single nucleotide variant.
Coding change: c.3961G>A on transcript NM_015102.5 (MANE Select); coding-DNA position 3961, G replaced by A.
Protein change: p.Val1321Met; replaces valine 1321 with methionine.
Molecular consequence: missense variant. On other transcripts: non-coding transcript variant (1).
Genome position (GRCh38, 1-based): chr1:5,864,373, C>T on the plus strand (G>A on the coding strand, the complement: NPHP4 is on the minus strand). VCF-style: chr1-5864373-C-T. GRCh37 (hg19) VCF-style: chr1-5924433-C-T.
Other names: c.2422G>A, p.Val808Met (NM_001291593.2); c.2425G>A, p.Val809Met (NM_001291594.2); short protein forms V1321M, V808M, V809M.
Identifiers: ClinVar variation 597518 (VCV000597518.14), dbSNP rs372485746, ClinGen allele CA553410.

ClinVar aggregate classification (germline): Uncertain significance. Review status: criteria provided, multiple submitters, no conflicts (2 of 4 stars). 4 submissions from 4 submitters: Uncertain significance (4). Last evaluated 2024-06-14.

Conditions:
Nephronophthisis. Also called: Juvenile Nephronophthisis. Identifiers: Orphanet 655, MedGen C0687120, MONDO:0019005, HP:0000090.
Nephronophthisis 4 (NPHP4). Also called: NEPHRONOPHTHISIS 4, JUVENILE. Identifiers: Orphanet 655, MedGen C1847013, MONDO:0011752, OMIM 606966.
Senior-Loken syndrome 4 (SLSN4). Identifiers: Orphanet 3156, MedGen C1846979, MONDO:0011756, OMIM 606996.

Allele frequency attached by ClinVar (database versions not stated): ExAC 0.00003; gnomAD exomes 0.00004 and 0.00005; ESP Exome Variant Server 0.00008; gnomAD 0.00014 and 0.00016; TOPMed 0.00027.
gnomAD v4.1: 87 of 1,609,340 alleles (0.0054%); highest among the groups gnomAD compares: Admixed American, 0.04%; no homozygotes.

Submissions (4):

Fulgent Genetics
Classification: Uncertain significance for Nephronophthisis 4; Senior-Loken syndrome 4. Last evaluated: 2024-06-14. Review status: criteria provided, single submitter. Criteria: ACMG Guidelines, 2015. Collection method: clinical testing. Allele origin: germline.

Blueprint Genetics
Classification: Uncertain significance. Last evaluated: 2023-12-05. Review status: criteria provided, single submitter. Criteria: ACMG Guidelines, 2015. Collection method: clinical testing. Allele origin: germline.

Labcorp Genetics (formerly Invitae), Labcorp
Classification: Uncertain significance for Nephronophthisis. Last evaluated: 2022-07-30. Review status: criteria provided, single submitter. Criteria: Invitae Variant Classification Sherloc (09022015). Collection method: clinical testing. Allele origin: germline.
Comment: This sequence change replaces valine, which is neutral and non-polar, with methionine, which is neutral and non-polar, at codon 1321 of the NPHP4 protein (p.Val1321Met). This variant is present in population databases (rs372485746, gnomAD 0.009%). This variant has not been reported in the literature in individuals affected with NPHP4-related conditions. ClinVar contains an entry for this variant (Variation ID: 597518). Algorithms developed to predict the effect of missense changes on protein structure and function are either unavailable or do not agree on the potential impact of this missense change (SIFT: "Deleterious"; PolyPhen-2: "Possibly Damaging"; Align-GVGD: "Class C0"). In summary, the available evidence is currently insufficient to determine the role of this variant in disease. Therefore, it has been classified as a Variant of Uncertain Significance.

Eurofins Ntd Llc (ga)
Classification: Uncertain significance. Last evaluated: 2018-06-08. Review status: criteria provided, single submitter. Criteria: EGL ClinVar v180209 classification definitions. Collection method: clinical testing. Allele origin: germline. Observed: 1 variant allele, 1 heterozygote.